The following is an entry in ClinVar:

NM_001347721.2(DYRK1A):c.1085A>T (p.Asn362Ile)

Gene: DYRK1A (dual specificity tyrosine phosphorylation regulated kinase 1A; plus strand). Cytogenetic location: 21q22.13.
Variant type: single nucleotide variant.
Coding change: c.1085A>T on transcript NM_001347721.2 (MANE Select); coding-DNA position 1085, A replaced by T.
Protein change: p.Asn362Ile; replaces asparagine 362 with isoleucine.
Molecular consequence: missense variant.
Genome position (GRCh38, 1-based): chr21:37,496,131, A>T. VCF-style: chr21-37496131-A-T. GRCh37 (hg19) VCF-style: chr21-38868433-A-T.
Other names: c.1085A>T, p.Asn362Ile (NM_001347722.2, NM_130436.2); c.998A>T, p.Asn333Ile (NM_001347723.2); c.1112A>T, p.Asn371Ile (NM_001396.5, NM_101395.2, NM_130438.2); short protein forms N333I, N362I, N371I.
Identifiers: ClinVar variation 4886194 (VCV004886194.2).

ClinVar aggregate classification (germline): Uncertain significance (1 of 4 stars; one submission).

Submission:

Dasa
Classification: Uncertain significance. Last evaluated: 2025-10-17. Review status: criteria provided, single submitter. Criteria: DASA Assertion Criteria. Collection method: clinical testing. Allele origin: germline.
Comment: NM_001347721.2(DYRK1A):c.1085A>T (p.Asn362Ile) is a missense variant that results in the substitution of asparagine with isoleucine. This variant is absent from population databases. The currently available literature and clinical evidence are not sufficient to establish a definitive association between this variant and the reported condition. Therefore, this variant is classified as a variant of uncertain significance.